The following is an entry in ClinVar:

ClinVar aggregate classification (germline): Pathogenic/Likely pathogenic. Review status: criteria provided, multiple submitters, no conflicts (2 of 4 stars). 3 submissions from 3 submitters: Pathogenic (2); Likely pathogenic (1). Last evaluated 2025-12-20.

Conditions:
Cardiovascular phenotype. Identifiers: MedGen CN230736.
Dilated cardiomyopathy 1G (CMD1G). Identifiers: Orphanet 154, MedGen C1858763, MONDO:0011400, OMIM 604145.
Autosomal recessive limb-girdle muscular dystrophy type 2J (LGMDR10). Also called: MUSCULAR DYSTROPHY, LIMB-GIRDLE, AUTOSOMAL RECESSIVE 10; Limb-girdle muscular dystrophy, type 2J. Identifiers: Orphanet 140922, MedGen C1837342, MONDO:0012127, OMIM 608807.

Submissions (3):

GeneDx
Classification: Pathogenic. Last evaluated: 2025-12-20. Review status: criteria provided, single submitter. Criteria: GeneDx Variant Classification Process June 2021. Collection method: clinical testing. Allele origin: germline. Affected: yes.
Comment: Nonsense variant predicted to result in protein truncation or nonsense mediated decay in a gene for which loss of function is a known mechanism of disease; Located in the A-band, a region of TTN for which truncating variants are significantly associated with autosomal dominant cardiomyopathy and also with autosomal recessive skeletal myopathies (PMID: 22335739, 32778822); Not observed at significant frequency in large population cohorts (gnomAD); This variant is associated with the following publications: (PMID: 22335739, 24980681, 24119082, 31514951, 36396199, 32778822)

Ambry Genetics
Classification: Likely pathogenic for Cardiovascular phenotype. Last evaluated: 2025-05-03. Review status: criteria provided, single submitter. Criteria: Ambry Variant Classification Scheme 2023. Collection method: clinical testing. Allele origin: germline.
Comment: The p.E10359* variant (also known as c.31075G>T), located in coding exon 124 of the TTN gene, results from a G to T substitution at nucleotide position 31075. This changes the amino acid from a glutamic acid to a stop codon within coding exon 124. This exon is located in the A-band region of the N2-B isoform of the titin protein and is constitutively expressed in TTN transcripts (percent spliced in or PSI 100%). This variant (referred to as c.53347G>T) was reported in individual(s) with features consistent with dilated cardiomyopathy (Herman DS et al. N Engl J Med, 2012 Feb;366:619-28). This variant is considered to be rare based on population cohorts in the Genome Aggregation Database (gnomAD). This variant is expected to result in loss of function by premature protein truncation or nonsense-mediated mRNA decay. While truncating variants in TTN are present in 1-3% of the general population, truncating variants in the A-band are the most common cause of dilated cardiomyopathy (Herman DS et al. N. Engl. J. Med., 2012 Feb;366:619-28; Roberts AM et al. Sci Transl Med, 2015 Jan;7:270ra6). TTN truncating variants encoded in constitutive exons (PSI >90%) have been found to be significantly associated with DCM regardless of their position in titin (Schafer S et al. Nat. Genet., 2017 01;49:46-53; Akhtar MM et al. Circ Heart Fail, 2020 Oct;13:e006832; Massier M et al. Clin Genet, 2025 Jan). Based on the majority of available evidence to date, this variant is likely to be pathogenic.

Labcorp Genetics (formerly Invitae), Labcorp
Classification: Pathogenic for Dilated cardiomyopathy 1G; Autosomal recessive limb-girdle muscular dystrophy type 2J. Last evaluated: 2025-03-23. Review status: criteria provided, single submitter. Criteria: Invitae Variant Classification Sherloc (09022015). Collection method: clinical testing. Allele origin: germline.
Comment: This sequence change creates a premature translational stop signal (p.Glu19424*) in the TTN gene. While this is not anticipated to result in nonsense mediated decay, it is expected to create a truncated TTN protein. This variant is not present in population databases (gnomAD no frequency). This premature translational stop signal has been observed in individuals with dilated cardiomyopathy (PMID: 22335739; internal data). This variant is also known as c.53347G>T (p.Glu17783X). ClinVar contains an entry for this variant (Variation ID: 202395). This variant is located in the A band of TTN (PMID: 25589632). Truncating variants in this region are significantly overrepresented in patients affected with dilated cardiomyopathy (PMID: 25589632). Truncating variants in this region have also been reported in individuals affected with autosomal recessive centronuclear myopathy (PMID: 23975875). For these reasons, this variant has been classified as Pathogenic.

Literature cited by the submitters: PubMed 22335739 (cited by Ambry Genetics and Labcorp Genetics (formerly Invitae), Labcorp); PubMed 25589632 (cited by Labcorp Genetics (formerly Invitae), Labcorp); PubMed 23975875 (cited by Labcorp Genetics (formerly Invitae), Labcorp).

NM_001267550.2(TTN):c.58270G>T (p.Glu19424Ter)

Genes: TTN-AS1 (TTN antisense RNA 1; plus strand), TTN (titin; minus strand). Cytogenetic location: 2q31.2.
Variant type: single nucleotide variant.
Coding change: c.58270G>T on transcript NM_001267550.2 (MANE Select); coding-DNA position 58270, G replaced by T.
Protein change: p.Glu19424Ter; replaces glutamic acid 19424 with a stop codon.
Molecular consequence: nonsense.
Genome position (GRCh38, 1-based): chr2:178,594,123, C>A on the plus strand (G>T on the coding strand, the complement: TTN is on the minus strand). VCF-style: chr2-178594123-C-A. GRCh37 (hg19) VCF-style: chr2-179458850-C-A.
Other names: p.E17783*:GAA>TAA; c.58270G>T (LRG_391t1); c.53347G>T, p.Glu17783Ter (NM_001256850.1); c.31075G>T, p.Glu10359Ter (NM_003319.4); c.50566G>T, p.Glu16856Ter (NM_133378.4); c.31450G>T, p.Glu10484Ter (NM_133432.3); c.31651G>T, p.Glu10551Ter (NM_133437.4); short protein forms E17783*, E19424*, E16856*, E10359*, E10484*, E10551*.
Identifiers: ClinVar variation 202395 (VCV000202395.10), dbSNP rs72646837, ClinGen allele CA309284.